The following is an entry in ClinVar:

ClinVar aggregate classification (germline): Uncertain significance (1 of 4 stars; one submission).

Submission:

Labcorp Genetics (formerly Invitae), Labcorp
Classification: Uncertain significance. Last evaluated: 2022-08-26. Review status: criteria provided, single submitter. Criteria: Invitae Variant Classification Sherloc (09022015). Collection method: clinical testing. Allele origin: germline.
Comment: Experimental studies and prediction algorithms are not available or were not evaluated, and the functional significance of this variant is currently unknown. In summary, the available evidence is currently insufficient to determine the role of this variant in disease. Therefore, it has been classified as a Variant of Uncertain Significance. This variant has not been reported in the literature in individuals affected with CACNA1B-related conditions. This variant results in a copy number gain of the genomic region encompassing exon(s) 41-47 of the CACNA1B gene. This region includes the termination codon of the gene. This copy number gain extends beyond the assayed region for this gene and therefore may encompass additional genes. As the precise location of this event is unknown, it may be in tandem or it may be located elsewhere in the genome.

NC_000009.11:g.(?_141008810)_(141016451_?)dup

Gene: CACNA1B (calcium voltage-gated channel subunit alpha1 B; plus strand). Cytogenetic location: 9q34.3.
Variant type: Duplication.
Identifiers: ClinVar variation 2423365 (VCV002423365.4).